The following is an entry in ClinVar:

ClinVar aggregate classification (germline): Uncertain significance (1 of 4 stars; one submission).

Conditions:
Cone-rod dystrophy 6 (CORD6). Also called: RETINAL CONE DYSTROPHY 2; Cone dystrophy progressive. Identifiers: Orphanet 1872, MedGen C1866293, MONDO:0011143, OMIM 601777.
Leber congenital amaurosis 1 (LCA1). Also called: RETINAL BLINDNESS, CONGENITAL; Congenital absence of the rods and cones; Leber's congenital tapetoretinal degeneration; Leber's congenital tapetoretinal dysplasia; AMAUROSIS CONGENITA OF LEBER I. Identifiers: Orphanet 65, MedGen C2931258, MONDO:0008764, OMIM 204000.

Allele frequency attached by ClinVar (database versions not stated): TOPMed 0.00002; gnomAD 0.00003.

Submission:

Labcorp Genetics (formerly Invitae), Labcorp
Classification: Uncertain significance for Leber congenital amaurosis 1; Cone-rod dystrophy 6. Last evaluated: 2022-09-27. Review status: criteria provided, single submitter. Criteria: Invitae Variant Classification Sherloc (09022015). Collection method: clinical testing. Allele origin: germline.
Comment: In summary, the available evidence is currently insufficient to determine the role of this variant in disease. Therefore, it has been classified as a Variant of Uncertain Significance. Advanced modeling of protein sequence and biophysical properties (such as structural, functional, and spatial information, amino acid conservation, physicochemical variation, residue mobility, and thermodynamic stability) performed at Invitae indicates that this missense variant is not expected to disrupt GUCY2D protein function. ClinVar contains an entry for this variant (Variation ID: 1020966). This missense change has been observed in individual(s) with clinical features of autosomal dominant cone-rod dystrophy (Invitae). This variant is present in population databases (no rsID available, gnomAD 0.005%). This sequence change replaces arginine, which is basic and polar, with glycine, which is neutral and non-polar, at codon 1059 of the GUCY2D protein (p.Arg1059Gly).

NM_000180.4(GUCY2D):c.3175A>G (p.Arg1059Gly)

Gene: GUCY2D (guanylate cyclase 2D, retinal; plus strand). Cytogenetic location: 17p13.1.
Variant type: single nucleotide variant.
Coding change: c.3175A>G on transcript NM_000180.4 (MANE Select); coding-DNA position 3175, A replaced by G.
Protein change: p.Arg1059Gly; replaces arginine 1059 with glycine.
Molecular consequence: missense variant.
Genome position (GRCh38, 1-based): chr17:8,016,241, A>G. VCF-style: chr17-8016241-A-G. GRCh37 (hg19) VCF-style: chr17-7919559-A-G.
Other names: short protein forms R1059G.
Identifiers: ClinVar variation 1020966 (VCV001020966.8), dbSNP rs878853342, ClinGen allele CA287534825.